The following is an entry in ClinVar:

NM_007272.3(CTRC):c.614G>T (p.Gly205Val)

Gene: CTRC (chymotrypsin C; plus strand). Cytogenetic location: 1p36.21.
Variant type: single nucleotide variant.
Coding change: c.614G>T on transcript NM_007272.3 (MANE Select); coding-DNA position 614, G replaced by T.
Protein change: p.Gly205Val; replaces glycine 205 with valine.
Molecular consequence: missense variant.
Genome position (GRCh38, 1-based): chr1:15,444,726, G>T. VCF-style: chr1-15444726-G-T. GRCh37 (hg19) VCF-style: chr1-15771221-G-T.
Other names: c.614G>T (NM_007272.2); short protein forms G205V.
Identifiers: ClinVar variation 3720902 (VCV003720902.3).

ClinVar aggregate classification (germline): Uncertain significance. Review status: criteria provided, multiple submitters, no conflicts (2 of 4 stars). 2 submissions from 2 submitters: Uncertain significance (2). Last evaluated 2025-05-18.

Conditions:
Hereditary pancreatitis (PCTT). Also called: PRSS1-Related Hereditary Pancreatitis; Hereditary chronic pancreatitis. Identifiers: Orphanet 676, MedGen C0238339, MONDO:0008185, OMIM 167800.

Submissions (2):

Ambry Genetics
Classification: Uncertain significance for Hereditary pancreatitis. Last evaluated: 2025-05-18. Review status: criteria provided, single submitter. Criteria: Ambry Variant Classification Scheme 2023. Collection method: clinical testing. Allele origin: germline.
Comment: The p.G205V variant (also known as c.614G>T), located in coding exon 6 of the CTRC gene, results from a G to T substitution at nucleotide position 614. The glycine at codon 205 is replaced by valine, an amino acid with dissimilar properties. This amino acid position is conserved. In addition, this alteration is predicted to be deleterious by in silico analysis. Based on the available evidence, the clinical significance of this variant remains unclear.

Labcorp Genetics (formerly Invitae), Labcorp
Classification: Uncertain significance for Hereditary pancreatitis. Last evaluated: 2024-09-27. Review status: criteria provided, single submitter. Criteria: Invitae Variant Classification Sherloc (09022015). Collection method: clinical testing. Allele origin: germline.
Comment: This sequence change replaces glycine, which is neutral and non-polar, with valine, which is neutral and non-polar, at codon 205 of the CTRC protein (p.Gly205Val). This variant is not present in population databases (gnomAD no frequency). This variant has not been reported in the literature in individuals affected with CTRC-related conditions. Invitae Evidence Modeling of protein sequence and biophysical properties (such as structural, functional, and spatial information, amino acid conservation, physicochemical variation, residue mobility, and thermodynamic stability) indicates that this missense variant is expected to disrupt CTRC protein function with a positive predictive value of 80%. In summary, the available evidence is currently insufficient to determine the role of this variant in disease. Therefore, it has been classified as a Variant of Uncertain Significance.